The following is an entry in ClinVar:

NM_007294.4(BRCA1):c.1475_1476del (p.Ile492fs)

Gene: BRCA1 (BRCA1 DNA repair associated; minus strand). Cytogenetic location: 17q21.31.
Variant type: Deletion.
Coding change: c.1475_1476del on transcript NM_007294.4 (MANE Select); coding-DNA positions 1475 to 1476, 2 bases deleted (TA; older notation c.1475_1476delTA).
Protein change: p.Ile492fs; shifts the reading frame from isoleucine 492.
Molecular consequence: frameshift variant. On other transcripts: intron variant (137).
Genome position (GRCh38, 1-based): chr17:43,094,055-43,094,056, TA deleted on the plus strand (TA on the coding strand, the reverse complement: BRCA1 is on the minus strand); deleting any 2 consecutive bases within chr17:43,094,055-43,094,057 gives the same sequence; the c. name uses the placement nearest the transcript's 3' end. VCF-style (leftmost placement, unchanged base first): chr17-43094054-TTA-T. GRCh37 (hg19) VCF-style: chr17-41246071-TTA-T.
Other names: c.460+1790_460+1791del (NM_001408506.1, NM_001408507.1); c.661+688_661+689del (NM_001408435.1, NM_001408446.1, NM_001408448.1 and 6 more transcripts); c.784+688_784+689del (NM_001408401.1, NM_001408396.1, NM_001407985.1 and 13 more transcripts); c.577+688_577+689del (NM_001408480.1, NM_001408481.1, NM_001408492.1 and 9 more transcripts); c.778+688_778+689del (NM_001408408.1); c.1334_1335del, p.Ile445fs (NM_001407692.1, NM_001407694.1, NM_001407695.1 and 29 more transcripts); c.1475_1476delTA (NM_007294.3); c.1331_1332del, p.Ile444fs (NM_001407740.1, NM_001407741.1, NM_001407742.1 and 20 more transcripts); and 41 more; short protein forms I445fs, I492fs, I196fs, I381fs, I403fs, I444fs, I465fs, I364fs.
Identifiers: ClinVar variation 1773447 (VCV001773447.2), dbSNP rs2552207591, ClinGen allele CA2580093806.
Genomic context (GRCh38, chr17:43,094,054, plus strand): 5'-GAAGGCCTGATGTAGGTCTCCTTTTACGCTTTAATTTATTTGTGAGGGGACGCTCTTGTA[TTA>T]TCTGTGGCTCAGTAACAAATGCTCCTATAATTAGATTTTCAGTTACATGGCTTAAGTTGG-3'

ClinVar aggregate classification (germline): Pathogenic (1 of 4 stars; one submission).

Conditions:
Hereditary cancer-predisposing syndrome. Also called: Hereditary Cancer Syndrome; Hereditary neoplastic syndrome; Neoplastic Syndromes, Hereditary; Tumor predisposition. Identifiers: Orphanet 140162, MedGen C0027672, MeSH D009386, MONDO:0015356.

Submission:

Ambry Genetics
Classification: Pathogenic for Hereditary cancer-predisposing syndrome. Last evaluated: 2019-06-25. Review status: criteria provided, single submitter. Criteria: Ambry Variant Classification Scheme 2023. Collection method: clinical testing. Allele origin: germline.
Comment: The c.1475_1476delTA pathogenic mutation, located in coding exon 9 of the BRCA1 gene, results from a deletion of two nucleotides at nucleotide positions 1475 to 1476, causing a translational frameshift with a predicted alternate stop codon (p.I492Nfs*9). This alteration is expected to result in loss of function by premature protein truncation or nonsense-mediated mRNA decay. As such, this alteration is interpreted as a disease-causing mutation.